The following is an entry in ClinVar:

ClinVar aggregate classification (germline): Likely benign (1 of 4 stars; one submission).

Allele frequency attached by ClinVar (database versions not stated): 1000 Genomes Project 0.00020; 1000 Genomes Project 30x 0.00031.
gnomAD v4.1: 43 of 1,614,090 alleles (0.0027%); highest among the groups gnomAD compares: East Asian, 0.018%; no homozygotes.

Submission:

CeGaT Center for Human Genetics Tuebingen
Classification: Likely benign. Last evaluated: 2026-04-01. Review status: criteria provided, single submitter. Criteria: CeGaT Center For Human Genetics Tuebingen Variant Classification Criteria Version 2. Collection method: clinical testing. Allele origin: germline. Affected: yes. Observed: 2 variant alleles.
Comment: FLG: BP4, BP7

NM_002016.2(FLG):c.11340G>A (p.Arg3780=)

Genes: CCDST (cervical cancer associated DHX9 suppressive transcript; plus strand), FLG (filaggrin; minus strand). Cytogenetic location: 1q21.3.
Variant type: single nucleotide variant.
Coding change: c.11340G>A on transcript NM_002016.2 (MANE Select); coding-DNA position 11340, G replaced by A.
Protein change: p.Arg3780=; no amino-acid change (arginine 3780 retained).
Molecular consequence: synonymous variant.
Genome position (GRCh38, 1-based): chr1:152,303,546, C>T on the plus strand (G>A on the coding strand, the complement: FLG is on the minus strand). VCF-style: chr1-152303546-C-T. GRCh37 (hg19) VCF-style: chr1-152276022-C-T.
Identifiers: ClinVar variation 2639224 (VCV002639224.24), dbSNP rs577463785, ClinGen allele CA1102936.